The following is an entry in ClinVar:

NM_001003800.2(BICD2):c.1174G>A (p.Glu392Lys)

Gene: BICD2 (BICD cargo adaptor 2; minus strand). Cytogenetic location: 9q22.31.
Variant type: single nucleotide variant.
Coding change: c.1174G>A on transcript NM_001003800.2 (MANE Select); coding-DNA position 1174, G replaced by A.
Protein change: p.Glu392Lys; replaces glutamic acid 392 with lysine.
Molecular consequence: missense variant.
Genome position (GRCh38, 1-based): chr9:92,719,471, C>T on the plus strand (G>A on the coding strand, the complement: BICD2 is on the minus strand). VCF-style: chr9-92719471-C-T. GRCh37 (hg19) VCF-style: chr9-95481753-C-T.
Other names: c.1174G>A, p.Glu392Lys (NM_015250.4); short protein forms E392K.
Identifiers: ClinVar variation 1904105 (VCV001904105.5), dbSNP rs768794089, ClinGen allele CA5126618.

ClinVar aggregate classification (germline): Uncertain significance (1 of 4 stars; one submission).

Conditions:
Autosomal dominant childhood-onset proximal spinal muscular atrophy with contractures (SMALED2A). Also called: SPINAL MUSCULAR ATROPHY, LOWER EXTREMITY-PREDOMINANT, 2A, CHILDHOOD ONSET, AUTOSOMAL DOMINANT; Spinal muscular atrophy, lower extremity-predominant, 2A, autosomal dominant. Identifiers: Orphanet 363447, Orphanet 363454, MedGen C4747715, MONDO:0014121, OMIM 615290.

Allele frequency attached by ClinVar (database versions not stated): ExAC 0.00001.

Submission:

Labcorp Genetics (formerly Invitae), Labcorp
Classification: Uncertain significance for Autosomal dominant childhood-onset proximal spinal muscular atrophy with contractures. Last evaluated: 2024-05-15. Review status: criteria provided, single submitter. Criteria: Invitae Variant Classification Sherloc (09022015). Collection method: clinical testing. Allele origin: germline.
Comment: This sequence change replaces glutamic acid, which is acidic and polar, with lysine, which is basic and polar, at codon 392 of the BICD2 protein (p.Glu392Lys). This variant is present in population databases (rs768794089, gnomAD 0.002%). This variant has not been reported in the literature in individuals affected with BICD2-related conditions. ClinVar contains an entry for this variant (Variation ID: 1904105). Advanced modeling of protein sequence and biophysical properties (such as structural, functional, and spatial information, amino acid conservation, physicochemical variation, residue mobility, and thermodynamic stability) performed at Invitae indicates that this missense variant is not expected to disrupt BICD2 protein function with a negative predictive value of 80%. In summary, the available evidence is currently insufficient to determine the role of this variant in disease. Therefore, it has been classified as a Variant of Uncertain Significance.